The following is an entry in ClinVar:

NM_001370259.2(MEN1):c.445+4G>A

Gene: MEN1 (menin 1; minus strand). Cytogenetic location: 11q13.1.
Variant type: single nucleotide variant.
Coding change: c.445+4G>A on transcript NM_001370259.2 (MANE Select); 4 bases into the intron after coding-DNA position 445, G replaced by A.
Molecular consequence: intron variant. On other transcripts: nonsense (6).
Genome position (GRCh38, 1-based): chr11:64,809,661, C>T on the plus strand (G>A on the coding strand, the complement: MEN1 is on the minus strand). VCF-style: chr11-64809661-C-T. GRCh37 (hg19) VCF-style: chr11-64577133-C-T.
Other names: c.445+4G>A (NM_001370263.2, NM_001370262.2, NM_001370261.2 and 3 more transcripts); c.449G>A, p.Trp150Ter (NM_000244.4, NM_130800.3, NM_130801.3 and 3 more transcripts); short protein forms W150*.
Identifiers: ClinVar variation 841070 (VCV000841070.10), dbSNP rs1941974933, ClinGen allele CA381186612.
Genomic context (GRCh38, chr11:64,809,661, plus strand): 5'-GTAAACCATGGAGGGTTTTGAAGAAGTGGGTCATGGATAAGATTCCCACCTACTGGGCTC[C>T]AACCTGTGATGAAGCTGAAGAGGGACTGGATGTGGGCCCGATCCTTGAAGTAGGAGCGGC-3'

ClinVar aggregate classification (germline): Uncertain significance (1 of 4 stars; one submission).

Conditions:
Multiple endocrine neoplasia, type 1 (MEN1). Also called: MEA I; MEN I; WERMER SYNDROME; Endocrine adenomatosis multiple; MEN 1. Identifiers: Orphanet 652, MedGen C0025267, MeSH D018761, MONDO:0007540, OMIM 131100.

Allele frequency attached by ClinVar (database versions not stated): gnomAD exomes below 0.00001.
gnomAD v4.1: 1 of 1,614,038 alleles (0.000062%); highest among the groups gnomAD compares: Non-Finnish European, 0.000085%; no homozygotes.

Submission:

Labcorp Genetics (formerly Invitae), Labcorp
Classification: Uncertain significance for Multiple endocrine neoplasia, type 1. Last evaluated: 2021-07-15. Review status: criteria provided, single submitter. Criteria: Invitae Variant Classification Sherloc (09022015). Collection method: clinical testing. Allele origin: germline.
Comment: In summary, the available evidence is currently insufficient to determine the role of this variant in disease. Therefore, it has been classified as a Variant of Uncertain Significance. Nucleotide substitutions within the consensus splice site are a relatively common cause of aberrant splicing (PMID: 17576681, 9536098). This variant has not been reported in the literature in individuals with MEN1-related conditions. This variant is not present in population databases (ExAC no frequency). This sequence change falls in intron 2 of the MEN1 gene. It does not directly change the encoded amino acid sequence of the MEN1 protein, but it affects a nucleotide within the consensus splice site of the intron.

Literature cited by the submitters: PubMed 17576681; PubMed 9536098.